The following is an entry in ClinVar:

ClinVar aggregate classification (germline): Uncertain significance (1 of 4 stars; one submission).

Allele frequency attached by ClinVar (database versions not stated): gnomAD exomes below 0.00001.
gnomAD v4.1: 1 of 1,613,894 alleles (0.000062%); highest among the groups gnomAD compares: Non-Finnish European, 0.000085%; no homozygotes.

Submission:

GeneDx
Classification: Uncertain significance. Last evaluated: 2022-05-16. Review status: criteria provided, single submitter. Criteria: GeneDx Variant Classification Process June 2021. Collection method: clinical testing. Allele origin: germline. Affected: yes.
Comment: Not observed at significant frequency in large population cohorts (gnomAD); In silico analysis supports a deleterious effect on splicing; In silico analysis supports that this missense variant has a deleterious effect on protein structure/function; Has not been previously published as pathogenic or benign to our knowledge

NM_001127222.2(CACNA1A):c.3955G>A (p.Val1319Met)

Genes: CACNA1A (calcium voltage-gated channel subunit alpha1 A; minus strand), LOC126862865 (CDK7 strongly-dependent group 2 enhancer GRCh37_chr19:13385818-13387017; plus strand). Cytogenetic location: 19p13.13.
Variant type: single nucleotide variant.
Coding change: c.3955G>A on transcript NM_001127222.2 (MANE Select); coding-DNA position 3955, G replaced by A.
Protein change: p.Val1319Met; replaces valine 1319 with methionine.
Molecular consequence: missense variant.
Genome position (GRCh38, 1-based): chr19:13,275,884, C>T on the plus strand (G>A on the coding strand, the complement: CACNA1A is on the minus strand). VCF-style: chr19-13275884-C-T. GRCh37 (hg19) VCF-style: chr19-13386698-C-T.
Other names: c.3967G>A, p.Val1323Met (NM_000068.4, NM_023035.3); c.3958G>A, p.Val1320Met (NM_001127221.2, NM_001174080.2); short protein forms V1319M, V1320M, V1323M.
Identifiers: ClinVar variation 1800560 (VCV001800560.1), dbSNP rs2512810729, ClinGen allele CA404340199.